The following is an entry in ClinVar:

NM_032043.3(BRIP1):c.683A>G (p.Glu228Gly)

Gene: BRIP1 (BRCA1 interacting DNA helicase 1; minus strand). Cytogenetic location: 17q23.2.
Variant type: single nucleotide variant.
Coding change: c.683A>G on transcript NM_032043.3 (MANE Select); coding-DNA position 683, A replaced by G.
Protein change: p.Glu228Gly; replaces glutamic acid 228 with glycine.
Molecular consequence: missense variant.
Genome position (GRCh38, 1-based): chr17:61,808,702, T>C on the plus strand (A>G on the coding strand, the complement: BRIP1 is on the minus strand). VCF-style: chr17-61808702-T-C. GRCh37 (hg19) VCF-style: chr17-59886063-T-C.
Other names: short protein forms E228G.
Identifiers: ClinVar variation 2942029 (VCV002942029.3), dbSNP rs2545199555, ClinGen allele CA400485134.

ClinVar aggregate classification (germline): Uncertain significance (1 of 4 stars; one submission).

Conditions:
Fanconi anemia complementation group J. Also called: BRIP1-Related Fanconi Anemia. Identifiers: Orphanet 84, MedGen C1836860, MONDO:0012187, OMIM 609054.
Familial cancer of breast. Also called: BREAST CANCER, FAMILIAL; Hereditary breast cancer; hereditary breast carcinoma. Identifiers: Orphanet 227535, MedGen C0346153, MONDO:0016419, OMIM 114480. Disease mechanism: loss of function.

Submission:

Labcorp Genetics (formerly Invitae), Labcorp
Classification: Uncertain significance for Familial cancer of breast; Fanconi anemia complementation group J. Last evaluated: 2022-12-20. Review status: criteria provided, single submitter. Criteria: Invitae Variant Classification Sherloc (09022015). Collection method: clinical testing. Allele origin: germline.
Comment: In summary, the available evidence is currently insufficient to determine the role of this variant in disease. Therefore, it has been classified as a Variant of Uncertain Significance. Advanced modeling of protein sequence and biophysical properties (such as structural, functional, and spatial information, amino acid conservation, physicochemical variation, residue mobility, and thermodynamic stability) performed at Invitae indicates that this missense variant is not expected to disrupt BRIP1 protein function. This variant has not been reported in the literature in individuals affected with BRIP1-related conditions. This variant is not present in population databases (gnomAD no frequency). This sequence change replaces glutamic acid, which is acidic and polar, with glycine, which is neutral and non-polar, at codon 228 of the BRIP1 protein (p.Glu228Gly).